The following is an entry in ClinVar:

ClinVar aggregate classification (germline): Uncertain significance. Review status: criteria provided, multiple submitters, no conflicts (2 of 4 stars). 2 submissions from 2 submitters: Uncertain significance (2). Last evaluated 2024-10-30.

Conditions:
RASopathy. Also called: Noonan spectrum disorder; rasopathies. Identifiers: Orphanet 536391, MedGen C5555857, MONDO:0021060.
Cardiovascular phenotype. Identifiers: MedGen CN230736.

Allele frequency attached by ClinVar (database versions not stated): gnomAD 0.00001; gnomAD exomes 0.00001; TOPMed 0.00001.
gnomAD v4.1: 12 of 1,614,066 alleles (0.00074%); highest among the groups gnomAD compares: Non-Finnish European, 0.00093%; no homozygotes.

Submissions (2):

Labcorp Genetics (formerly Invitae), Labcorp
Classification: Uncertain significance for RASopathy. Last evaluated: 2024-10-30. Review status: criteria provided, single submitter. Criteria: Invitae Variant Classification Sherloc (09022015). Collection method: clinical testing. Allele origin: germline.
Comment: This sequence change replaces lysine, which is basic and polar, with arginine, which is basic and polar, at codon 150 of the BRAF protein (p.Lys150Arg). This variant is not present in population databases (gnomAD no frequency). This variant has not been reported in the literature in individuals affected with BRAF-related conditions. ClinVar contains an entry for this variant (Variation ID: 3223981). Invitae Evidence Modeling of protein sequence and biophysical properties (such as structural, functional, and spatial information, amino acid conservation, physicochemical variation, residue mobility, and thermodynamic stability) indicates that this missense variant is not expected to disrupt BRAF protein function with a negative predictive value of 95%. In summary, the available evidence is currently insufficient to determine the role of this variant in disease. Therefore, it has been classified as a Variant of Uncertain Significance.

Ambry Genetics
Classification: Uncertain significance for Cardiovascular phenotype. Last evaluated: 2023-12-31. Review status: criteria provided, single submitter. Criteria: Ambry Variant Classification Scheme 2023. Collection method: clinical testing. Allele origin: germline.
Comment: The p.K150R variant (also known as c.449A>G), located in coding exon 3 of the BRAF gene, results from an A to G substitution at nucleotide position 449. The lysine at codon 150 is replaced by arginine, an amino acid with highly similar properties. This amino acid position is conserved. In addition, this alteration is predicted to be tolerated by in silico analysis. Since supporting evidence is limited at this time, the clinical significance of this alteration remains unclear.

NM_004333.6(BRAF):c.449A>G (p.Lys150Arg)

Gene: BRAF (B-Raf proto-oncogene, serine/threonine kinase; minus strand). Cytogenetic location: 7q34.
Variant type: single nucleotide variant.
Coding change: c.449A>G on transcript NM_004333.6 (MANE Select); coding-DNA position 449, A replaced by G.
Protein change: p.Lys150Arg; replaces lysine 150 with arginine.
Molecular consequence: missense variant. On other transcripts: intron variant (1).
Genome position (GRCh38, 1-based): chr7:140,834,664, T>C on the plus strand (A>G on the coding strand, the complement: BRAF is on the minus strand). VCF-style: chr7-140834664-T-C. GRCh37 (hg19) VCF-style: chr7-140534464-T-C.
Other names: c.449A>G, p.Lys150Arg (NM_001354609.2, NM_001374244.1, NM_001374258.1 and 5 more transcripts); c.347A>G, p.Lys116Arg (NM_001378470.1); c.293A>G, p.Lys98Arg (NM_001378472.1, NM_001378473.1); c.240+15447A>G (NM_001378475.1); short protein forms K116R, K150R, K98R.
Identifiers: ClinVar variation 3223981 (VCV003223981.3), dbSNP rs756114784, ClinGen allele CA168127358.
Genomic context (GRCh38, chr7:140,834,664, plus strand): 5'-CTCACCACTGTCCTCTGTTTGTTGGGCAGGAAGACTCTAACGATAGGTTTTTGTGGTGAC[T>C]TGGGGTTGCTCCGTGCCACATCTGTGGGATTTTGAAAAACTGAAAGAGATGAAGGTAGCA-3'
Protein context (NP_004324.2, residues 140-160): NPTDVARSNP[Lys150Arg]SPQKPIVRVF